The following is an entry in ClinVar:

ClinVar aggregate classification (germline): Pathogenic. Review status: criteria provided, multiple submitters, no conflicts (2 of 4 stars). 5 submissions from 5 submitters: Pathogenic (4). 1 of the submissions does not count toward it. Last evaluated 2025-05-28.

Conditions:
Hereditary diffuse leukoencephalopathy with spheroids. Also called: LEUKOENCEPHALOPATHY, ADULT-ONSET, WITH AXONAL SPHEROIDS AND PIGMENTED GLIA. Identifiers: Orphanet 313808, MedGen C3711381, MONDO:0030796.
Inborn genetic diseases. Identifiers: MedGen C0950123, MeSH D030342.
Brain abnormalities, neurodegeneration, and dysosteosclerosis. Identifiers: MedGen C5193117, MONDO:0032772, OMIM 618476.

Submissions (5):

GeneDx
Classification: Pathogenic. Last evaluated: 2025-05-28. Review status: criteria provided, single submitter. Criteria: GeneDx Variant Classification Process June 2021. Collection method: clinical testing. Allele origin: germline.
Comment: This variant is demonstrated to induce nonsense-mediated decay and result in loss of function (PMID: 30982609); Not observed at significant frequency in large population cohorts (gnomAD); This variant is associated with the following publications: (PMID: 39280886, 37861890, 34145972, 38785530, 30982609)

Labcorp Genetics (formerly Invitae), Labcorp
Classification: Pathogenic. Last evaluated: 2022-08-22. Review status: criteria provided, single submitter. Criteria: Invitae Variant Classification Sherloc (09022015). Collection method: clinical testing. Allele origin: germline.
Comment: For these reasons, this variant has been classified as Pathogenic. ClinVar contains an entry for this variant (Variation ID: 520697). This premature translational stop signal has been observed in individuals with autosomal dominant CSF1R-related conditions (Invitae). This variant has been reported in individual(s) with autosomal recessive brain abnormalities, neurodegeneration, and dysosteosclerosis (PMID: 30982609); however, the role of the variant in this condition is currently unclear. This variant is not present in population databases (gnomAD no frequency). This sequence change creates a premature translational stop signal (p.Gln481*) in the CSF1R gene. It is expected to result in an absent or disrupted protein product. Loss-of-function variants in CSF1R are known to be pathogenic (PMID: 24336230, 24120500, 24145216).

Dasa
Classification: Pathogenic for Hereditary diffuse leukoencephalopathy with spheroids. Last evaluated: 2022-03-05. Review status: criteria provided, single submitter. Criteria: ACMG Guidelines, 2015. Collection method: clinical testing. Allele origin: germline. Affected: yes. Observed: 1 variant allele.
Comment: The c.1441C>T;p.(Gln481*) variant creates a premature translational stop signal in the CSF1R gene. It is expected to result in an absent or disrupted protein product - PVS1. This sequence change has been observed in affected individual(s) and ClinVar contains an entry for this variant (ClinVar ID: 520697) - PS4. This variant is not present in population databases (rs917027829- gnomAD; ABraOM no frequency) - PM2. In summary, the currently available evidence indicates that the variant is pathogenic.

Ambry Genetics
Classification: Pathogenic for Inborn genetic diseases. Last evaluated: 2015-06-29. Review status: criteria provided, single submitter. Criteria: Ambry exome assertion method (8-5-2015). Collection method: clinical testing. Allele origin: germline. Affected: yes. Observed: 1 variant allele.

OMIM
Classification: Pathogenic for BRAIN ABNORMALITIES, NEURODEGENERATION, AND DYSOSTEOSCLEROSIS. Last evaluated: 2019-06-21. Review status: no assertion criteria provided. Collection method: literature only. Allele origin: germline. Not counted in ClinVar's aggregate classification.

Literature cited by the submitters: PubMed 30982609 (cited by Labcorp Genetics (formerly Invitae), Labcorp and OMIM); PubMed 24336230 (cited by Labcorp Genetics (formerly Invitae), Labcorp); PubMed 24120500 (cited by Labcorp Genetics (formerly Invitae), Labcorp); PubMed 24145216 (cited by Labcorp Genetics (formerly Invitae), Labcorp).

NM_001288705.3(CSF1R):c.1441C>T (p.Gln481Ter)

Gene: CSF1R (colony stimulating factor 1 receptor; minus strand). Cytogenetic location: 5q32.
Variant type: single nucleotide variant.
Coding change: c.1441C>T on transcript NM_001288705.3 (MANE Select); coding-DNA position 1441, C replaced by T.
Protein change: p.Gln481Ter; replaces glutamine 481 with a stop codon.
Molecular consequence: nonsense. On other transcripts: non-coding transcript variant (2).
Genome position (GRCh38, 1-based): chr5:150,069,942, G>A on the plus strand (C>T on the coding strand, the complement: CSF1R is on the minus strand). VCF-style: chr5-150069942-G-A. GRCh37 (hg19) VCF-style: chr5-149449505-G-A.
Other names: c.1441C>T, p.Gln481Ter (NM_001349736.2, NM_001375320.1, NM_005211.4); c.997C>T, p.Gln333Ter (NM_001375321.1); short protein forms Q481*, Q333*.
Identifiers: ClinVar variation 520697 (VCV000520697.16), dbSNP rs917027829, ClinGen allele CA129068991.
Genomic context (GRCh38, chr5:150,069,942, plus strand): 5'-TGGGTATGAAGGCCCAGGAGCCACTCCCCACGCTGTTGTGGGCCCTGCACTCGTAGGTTT[G>A]GTTGTGCTCTAAGGTCTCAACAGTCAGCAGGCTCTGCACCGTCACCTTGTGGAAGGGCTC-3'